The following is an entry in ClinVar:

NM_000245.4(MET):c.1795A>G (p.Lys599Glu)

Gene: MET (MET proto-oncogene, receptor tyrosine kinase; plus strand). Cytogenetic location: 7q31.2.
Variant type: single nucleotide variant.
Coding change: c.1795A>G on transcript NM_000245.4 (MANE Select); coding-DNA position 1795, A replaced by G.
Protein change: p.Lys599Glu; replaces lysine 599 with glutamic acid.
Molecular consequence: missense variant.
Genome position (GRCh38, 1-based): chr7:116,755,448, A>G. VCF-style: chr7-116755448-A-G. GRCh37 (hg19) VCF-style: chr7-116395502-A-G.
Other names: c.1795A>G, p.Lys599Glu (NM_001127500.3, NM_001324401.3); c.505A>G, p.Lys169Glu (NM_001324402.2); short protein forms K599E, K169E.
Identifiers: ClinVar variation 1464437 (VCV001464437.8), dbSNP rs2116910086, ClinGen allele CA368977964.

ClinVar aggregate classification (germline): Uncertain significance (1 of 4 stars; one submission).

Conditions:
Renal cell carcinoma. Identifiers: Orphanet 217071, MedGen C0007134, MeSH D002292, MONDO:0005086, HP:0005584.

Submission:

Labcorp Genetics (formerly Invitae), Labcorp
Classification: Uncertain significance for Renal cell carcinoma. Last evaluated: 2020-12-12. Review status: criteria provided, single submitter. Criteria: Invitae Variant Classification Sherloc (09022015). Collection method: clinical testing. Allele origin: germline.
Comment: In summary, the available evidence is currently insufficient to determine the role of this variant in disease. Therefore, it has been classified as a Variant of Uncertain Significance. Algorithms developed to predict the effect of sequence changes on RNA splicing suggest that this variant may create or strengthen a splice site, but this prediction has not been confirmed by published transcriptional studies. Algorithms developed to predict the effect of missense changes on protein structure and function (SIFT, PolyPhen-2, Align-GVGD) all suggest that this variant is likely to be tolerated, but these predictions have not been confirmed by published functional studies and their clinical significance is uncertain. This variant has not been reported in the literature in individuals with MET-related conditions. This variant is not present in population databases (ExAC no frequency). This sequence change replaces lysine with glutamic acid at codon 599 of the MET protein (p.Lys599Glu). The lysine residue is weakly conserved and there is a small physicochemical difference between lysine and glutamic acid.